The following is an entry in ClinVar:

NM_001100913.3(PACS2):c.1507T>C (p.Trp503Arg)

Gene: PACS2 (phosphofurin acidic cluster sorting protein 2; plus strand). Cytogenetic location: 14q32.33.
Variant type: single nucleotide variant.
Coding change: c.1507T>C on transcript NM_001100913.3 (MANE Select); coding-DNA position 1507, T replaced by C.
Protein change: p.Trp503Arg; replaces tryptophan 503 with arginine.
Molecular consequence: missense variant.
Genome position (GRCh38, 1-based): chr14:105,382,570, T>C. VCF-style: chr14-105382570-T-C. GRCh37 (hg19) VCF-style: chr14-105848907-T-C.
Other names: c.1507T>C (NM_001100913.2); c.1270T>C, p.Trp424Arg (NM_001243127.3); c.1495T>C, p.Trp499Arg (NM_015197.4); short protein forms W424R, W499R, W503R.
Identifiers: ClinVar variation 1328390 (VCV001328390.3), dbSNP rs2081031883, ClinGen allele CA391182508.

ClinVar aggregate classification (germline): Uncertain significance. Review status: criteria provided, multiple submitters, no conflicts (2 of 4 stars). 3 submissions from 3 submitters: Uncertain significance (2). 1 of the submissions does not count toward it. Last evaluated 2025-11-20.

Conditions:
PACS2-related disorder. Also called: PACS2-related condition.
Developmental and epileptic encephalopathy, 66. Also called: EPILEPTIC ENCEPHALOPATHY, EARLY INFANTILE, 66. Identifiers: MedGen C4748070, MONDO:0054845, OMIM 618067.

Allele frequency attached by ClinVar (database versions not stated): gnomAD 0.00001.
gnomAD v4.1: 2 of 1,603,760 alleles (0.00012%); highest among the groups gnomAD compares: Non-Finnish European, 0.00017%; no homozygotes.

Submissions (3):

PreventionGenetics, part of Exact Sciences
Classification: Uncertain significance for PACS2-related condition. Last evaluated: 2025-11-20. Review status: criteria provided, single submitter. Criteria: ACMG Guidelines, 2015. Collection method: clinical testing. Allele origin: germline.
Comment: The PACS2 c.1507T>C variant is predicted to result in the amino acid substitution p.Trp503Arg. To our knowledge, this variant has not been reported in the literature or in a large population database (gnomAD), indicating this variant is rare. At this time, the clinical significance of this variant is uncertain due to the absence of conclusive functional and genetic evidence.

Labcorp Genetics (formerly Invitae), Labcorp
Classification: Uncertain significance. Last evaluated: 2025-04-14. Review status: criteria provided, single submitter. Criteria: Invitae Variant Classification Sherloc (09022015). Collection method: clinical testing. Allele origin: germline.
Comment: This sequence change replaces tryptophan, which is neutral and slightly polar, with arginine, which is basic and polar, at codon 503 of the PACS2 protein (p.Trp503Arg). This variant is not present in population databases (gnomAD no frequency). This variant has not been reported in the literature in individuals affected with PACS2-related conditions. ClinVar contains an entry for this variant (Variation ID: 1328390). Invitae Evidence Modeling of protein sequence and biophysical properties (such as structural, functional, and spatial information, amino acid conservation, physicochemical variation, residue mobility, and thermodynamic stability) indicates that this missense variant is not expected to disrupt PACS2 protein function with a negative predictive value of 80%. In summary, the available evidence is currently insufficient to determine the role of this variant in disease. Therefore, it has been classified as a Variant of Uncertain Significance.

Institute of Human Genetics, Cologne University
Classification: Uncertain significance for Developmental and epileptic encephalopathy, 66. Review status: no assertion criteria provided. Collection method: clinical testing. Allele origin: maternal. Inheritance: Autosomal dominant inheritance. Affected: yes. Observed: 1 heterozygote. Not counted in ClinVar's aggregate classification.